The following is an entry in ClinVar:

NM_001369369.1(FOXN1):c.1826G>A (p.Gly609Asp)

Gene: FOXN1 (forkhead box N1; plus strand). Cytogenetic location: 17q11.2.
Variant type: single nucleotide variant.
Coding change: c.1826G>A on transcript NM_001369369.1 (MANE Select); coding-DNA position 1826, G replaced by A.
Protein change: p.Gly609Asp; replaces glycine 609 with aspartic acid.
Molecular consequence: missense variant.
Genome position (GRCh38, 1-based): chr17:28,537,315, G>A. VCF-style: chr17-28537315-G-A. GRCh37 (hg19) VCF-style: chr17-26864333-G-A.
Other names: c.1826G>A, p.Gly609Asp (NM_003593.3); short protein forms G609D.
Identifiers: ClinVar variation 2863583 (VCV002863583.3), dbSNP rs2070095295, ClinGen allele CA398328319.

ClinVar aggregate classification (germline): Uncertain significance (1 of 4 stars; one submission).

Conditions:
T-cell immunodeficiency, congenital alopecia, and nail dystrophy. Also called: Congenital alopecia and nail dystrophy associated with severe functional T-cell immunodeficiency; Pignata Guarino syndrome. Identifiers: Orphanet 169095, MedGen C1866426, MONDO:0011132, OMIM 601705.

Submission:

Labcorp Genetics (formerly Invitae), Labcorp
Classification: Uncertain significance for T-cell immunodeficiency, congenital alopecia, and nail dystrophy. Last evaluated: 2023-11-04. Review status: criteria provided, single submitter. Criteria: Invitae Variant Classification Sherloc (09022015). Collection method: clinical testing. Allele origin: germline.
Comment: This sequence change replaces glycine, which is neutral and non-polar, with aspartic acid, which is acidic and polar, at codon 609 of the FOXN1 protein (p.Gly609Asp). This variant is not present in population databases (gnomAD no frequency). This variant has not been reported in the literature in individuals affected with FOXN1-related conditions. Advanced modeling of protein sequence and biophysical properties (such as structural, functional, and spatial information, amino acid conservation, physicochemical variation, residue mobility, and thermodynamic stability) performed at Invitae indicates that this missense variant is not expected to disrupt FOXN1 protein function with a negative predictive value of 80%. In summary, the available evidence is currently insufficient to determine the role of this variant in disease. Therefore, it has been classified as a Variant of Uncertain Significance.